The following is an entry in ClinVar:

ClinVar aggregate classification (germline): Uncertain significance (1 of 4 stars; one submission).

Submission:

Labcorp Genetics (formerly Invitae), Labcorp
Classification: Uncertain significance. Last evaluated: 2022-07-19. Review status: criteria provided, single submitter. Criteria: Invitae Variant Classification Sherloc (09022015). Collection method: clinical testing. Allele origin: germline.
Comment: In summary, the available evidence is currently insufficient to determine the role of this variant in disease. Therefore, it has been classified as a Variant of Uncertain Significance. Algorithms developed to predict the effect of missense changes on protein structure and function are either unavailable or do not agree on the potential impact of this missense change (SIFT: "Tolerated"; PolyPhen-2: "Probably Damaging"; Align-GVGD: "Class C0"). This variant has not been reported in the literature in individuals affected with GNB1-related conditions. This variant is not present in population databases (gnomAD no frequency). This sequence change replaces alanine, which is neutral and non-polar, with aspartic acid, which is acidic and polar, at codon 326 of the GNB1 protein (p.Ala326Asp).

NM_002074.5(GNB1):c.977C>A (p.Ala326Asp)

Gene: GNB1 (G protein subunit beta 1; minus strand). Cytogenetic location: 1p36.33.
Variant type: single nucleotide variant.
Coding change: c.977C>A on transcript NM_002074.5 (MANE Select); coding-DNA position 977, C replaced by A.
Protein change: p.Ala326Asp; replaces alanine 326 with aspartic acid.
Molecular consequence: missense variant.
Genome position (GRCh38, 1-based): chr1:1,787,377, G>T on the plus strand (C>A on the coding strand, the complement: GNB1 is on the minus strand). VCF-style: chr1-1787377-G-T. GRCh37 (hg19) VCF-style: chr1-1718816-G-T.
Other names: c.677C>A, p.Ala226Asp (NM_001282538.2); c.977C>A, p.Ala326Asp (NM_001282539.2); short protein forms A326D, A226D.
Identifiers: ClinVar variation 2104373 (VCV002104373.4), dbSNP rs2522094024, ClinGen allele CA337902144.
Genomic context (GRCh38, chr1:1,787,377, plus strand): 5'-ATTACCTACTGGCGTTAGTTCCAGATCTTGAGGAAGCTATCCCAGGACCCTGTCGCCACA[G>T]CCATGCCATCGTCAGTCACGCCCAGGCAGCTGACGCGGTTGTCATGCCCAGCCAAGACAC-3'
Protein context (NP_002065.1, residues 316-336): SCLGVTDDGM[Ala326Asp]VATGSWDSFL